The following is an entry in ClinVar:

ClinVar aggregate classification (germline): Uncertain significance (1 of 4 stars; one submission).

Submission:

Labcorp Genetics (formerly Invitae), Labcorp
Classification: Uncertain significance. Last evaluated: 2024-09-19. Review status: criteria provided, single submitter. Criteria: Invitae Variant Classification Sherloc (09022015). Collection method: clinical testing. Allele origin: germline.
Comment: This sequence change replaces glycine, which is neutral and non-polar, with aspartic acid, which is acidic and polar, at codon 659 of the DDX58 protein (p.Gly659Asp). This variant is not present in population databases (gnomAD no frequency). This variant has not been reported in the literature in individuals affected with DDX58-related conditions. ClinVar contains an entry for this variant (Variation ID: 1923407). Invitae Evidence Modeling of protein sequence and biophysical properties (such as structural, functional, and spatial information, amino acid conservation, physicochemical variation, residue mobility, and thermodynamic stability) indicates that this missense variant is not expected to disrupt DDX58 protein function with a negative predictive value of 80%. In summary, the available evidence is currently insufficient to determine the role of this variant in disease. Therefore, it has been classified as a Variant of Uncertain Significance.

NM_014314.4(RIGI):c.1976G>A (p.Gly659Asp)

Gene: RIGI (RNA sensor RIG-I; minus strand). Cytogenetic location: 9p21.1.
Variant type: single nucleotide variant.
Coding change: c.1976G>A on transcript NM_014314.4 (MANE Select); coding-DNA position 1976, G replaced by A.
Protein change: p.Gly659Asp; replaces glycine 659 with aspartic acid.
Molecular consequence: missense variant.
Genome position (GRCh38, 1-based): chr9:32,473,013, C>T on the plus strand (G>A on the coding strand, the complement: RIGI is on the minus strand). VCF-style: chr9-32473013-C-T. GRCh37 (hg19) VCF-style: chr9-32473011-C-T.
Other names: c.1970G>A, p.Gly657Asp (NM_001385907.1); c.1976G>A, p.Gly659Asp (NM_001385909.1); c.1535G>A, p.Gly512Asp (NM_001385910.1); c.1367G>A, p.Gly456Asp (NM_001385912.1); c.1961G>A, p.Gly654Asp (NM_001385913.1); c.1532G>A, p.Gly511Asp (NM_001385914.1); short protein forms G456D, G654D, G659D, G511D, G512D, G657D.
Identifiers: ClinVar variation 1923407 (VCV001923407.5), dbSNP rs2489303663, ClinGen allele CA373147690.